The following is an entry in ClinVar:

ClinVar aggregate classification (germline): Uncertain significance (1 of 4 stars; one submission).

gnomAD v4.1: 11 of 1,614,018 alleles (0.00068%); highest among the groups gnomAD compares: South Asian, 0.0022%; no homozygotes.

Submission:

Labcorp Genetics (formerly Invitae), Labcorp
Classification: Uncertain significance. Last evaluated: 2022-10-31. Review status: criteria provided, single submitter. Criteria: Invitae Variant Classification Sherloc (09022015). Collection method: clinical testing. Allele origin: germline.
Comment: In summary, the available evidence is currently insufficient to determine the role of this variant in disease. Therefore, it has been classified as a Variant of Uncertain Significance. Algorithms developed to predict the effect of missense changes on protein structure and function are either unavailable or do not agree on the potential impact of this missense change (SIFT: "Deleterious"; PolyPhen-2: "Possibly Damaging"; Align-GVGD: "Class C0"). This variant has not been reported in the literature in individuals affected with KIAA0753-related conditions. The frequency data for this variant in the population databases is considered unreliable, as metrics indicate poor data quality at this position in the gnomAD database. This sequence change replaces arginine, which is basic and polar, with histidine, which is basic and polar, at codon 341 of the KIAA0753 protein (p.Arg341His).

NM_014804.3(KIAA0753):c.1022G>A (p.Arg341His)

Gene: KIAA0753 (KIAA0753; minus strand). Cytogenetic location: 17p13.1.
Variant type: single nucleotide variant.
Coding change: c.1022G>A on transcript NM_014804.3 (MANE Select); coding-DNA position 1022, G replaced by A.
Protein change: p.Arg341His; replaces arginine 341 with histidine.
Molecular consequence: missense variant. On other transcripts: non-coding transcript variant (3).
Genome position (GRCh38, 1-based): chr17:6,622,964, C>T on the plus strand (G>A on the coding strand, the complement: KIAA0753 is on the minus strand). VCF-style: chr17-6622964-C-T. GRCh37 (hg19) VCF-style: chr17-6526284-C-T.
Other names: c.125G>A, p.Arg42His (NM_001351225.2); short protein forms R341H, R42H.
Identifiers: ClinVar variation 1938495 (VCV001938495.3), dbSNP rs550351036, ClinGen allele CA8330622.